The following is an entry in ClinVar:

ClinVar aggregate classification (germline): Uncertain significance (1 of 4 stars; one submission).

Submission:

Women's Health and Genetics/Laboratory Corporation of America, LabCorp
Classification: Uncertain significance. Last evaluated: 2024-10-14. Review status: criteria provided, single submitter. Criteria: LabCorp Variant Classification Summary - May 2015. Collection method: clinical testing. Allele origin: germline.
Comment: Variant summary: FKBP14 c.539_540delinsCA (p.His180Pro) results in a non-conservative amino acid change located in the EF-hand domain of the encoded protein sequence. Four of five in-silico tools predict a damaging effect of the variant on protein function. The variant allele was found at a frequency of 8.1e-06 in 247108 control chromosomes. The available data on variant occurrences in the general population are insufficient to allow any conclusion about variant significance. To our knowledge, no occurrence of c.539_540delinsCA in individuals affected with Ehlers-Danlos syndrome, kyphoscoliotic type, 2 and no experimental evidence demonstrating its impact on protein function have been reported. No submitters have cited clinical-significance assessments for this variant to ClinVar. Based on the evidence outlined above, the variant was classified as uncertain significance.

NM_017946.4(FKBP14):c.539_540delinsCA (p.His180Pro)

Genes: FKBP14 (FKBP prolyl isomerase 14; minus strand), FKBP14-AS1 (FKBP14 antisense RNA 1; plus strand). Cytogenetic location: 7p14.3.
Variant type: Indel.
Coding change: c.539_540delinsCA on transcript NM_017946.4 (MANE Select); coding-DNA positions 539 to 540, AT replaced by CA.
Protein change: p.His180Pro; replaces histidine 180 with proline.
Molecular consequence: missense variant. On other transcripts: non-coding transcript variant (2).
Genome position (GRCh38, 1-based): chr7:30,014,831-30,014,832, AT replaced by TG on the plus strand (AT replaced by CA on the coding strand, the reverse complement: FKBP14 is on the minus strand). VCF-style: chr7-30014831-AT-TG. GRCh37 (hg19) VCF-style: chr7-30054447-AT-TG.
Other names: short protein forms H180P.
Identifiers: ClinVar variation 3385315 (VCV003385315.1).